The following is an entry in ClinVar:

ClinVar aggregate classification (germline): Pathogenic (1 of 4 stars; one submission).

Submission:

ISCA site 14
Classification: Pathogenic. Last evaluated: 2011-08-12. Review status: criteria provided, single submitter. Criteria: Kaminsky et al. (Genet Med. 2011). Collection method: clinical testing. Allele origin: de novo. Affected: yes. Observed: 1 variant allele.
Comment: Copy number variation identified through the course of routine clinical cytogenomic testing in postnatal populations. Clinical assertions have been curated as described in Kaminsky et al. 2011.

GRCh38/hg38 11p15.5(chr11:758848-1998025)x1

Genes: AP2A2 (adaptor related protein complex 2 subunit alpha 2; plus strand), BRSK2 (BR serine/threonine kinase 2; plus strand), CD151 (CD151 molecule (Raph blood group); plus strand), CEND1 (cell cycle exit and neuronal differentiation 1; minus strand), CHID1 (chitinase domain containing 1; minus strand) and 112 more. Cytogenetic location: 11p15.5.
Variant type: copy number loss.
Change: copy number 1 (one copy instead of two) of chr11:758,848-1,998,025 (1.24 Mb, GRCh38 coordinates, 1-based), cytogenetic band 11p15.5.
Identifiers: ClinVar variation 58855 (VCV000058855.1).